The following is an entry in ClinVar:

ClinVar aggregate classification (germline): Benign/Likely benign. Review status: criteria provided, multiple submitters, no conflicts (2 of 4 stars). 6 submissions from 6 submitters: Benign (1); Likely benign (5). Last evaluated 2025-08-01.

Conditions:
Autosomal recessive spinocerebellar ataxia 13. Identifiers: Orphanet 324262, MedGen C3553816, MONDO:0013905, OMIM 614831.
Spinocerebellar ataxia 44. Identifiers: Orphanet 631095, MedGen C4521563, MONDO:0033479, OMIM 617691.

Allele frequency attached by ClinVar (database versions not stated): ESP Exome Variant Server 0.00154; gnomAD 0.00177 and 0.00188; 1000 Genomes Project 0.00200; TOPMed 0.00204; 1000 Genomes Project 30x 0.00219; gnomAD exomes 0.00016 and 0.00044; ExAC 0.00052.
gnomAD v4.1: 507 of 1,613,290 alleles (0.031%); highest among the groups gnomAD compares: African/African-American, 0.64%; 1 homozygote.

Submissions (6):

CeGaT Center for Human Genetics Tuebingen
Classification: Likely benign. Last evaluated: 2025-08-01. Review status: criteria provided, single submitter. Criteria: CeGaT Center For Human Genetics Tuebingen Variant Classification Criteria Version 2. Collection method: clinical testing. Allele origin: germline. Affected: yes. Observed: 1 variant allele.
Comment: GRM1: BP4, BS1

Labcorp Genetics (formerly Invitae), Labcorp
Classification: Likely benign. Last evaluated: 2025-08-01. Review status: criteria provided, single submitter. Criteria: Invitae Variant Classification Sherloc (09022015). Collection method: clinical testing. Allele origin: germline.

Mayo Clinic Laboratories, Mayo Clinic
Classification: Likely benign. Last evaluated: 2025-02-03. Review status: criteria provided, single submitter. Criteria: ACMG Guidelines, 2015. Collection method: clinical testing. Allele origin: germline. Observed: 3 variant alleles.
Comment: BS1, BP4

Athena Diagnostics
Classification: Benign. Last evaluated: 2024-09-30. Review status: criteria provided, single submitter. Criteria: Athena Diagnostics Criteria. Collection method: clinical testing. Allele origin: unknown.

Blueprint Genetics
Classification: Likely benign. Last evaluated: 2024-07-05. Review status: criteria provided, single submitter. Criteria: ACMG Guidelines, 2015. Collection method: clinical testing. Allele origin: germline.

Fulgent Genetics
Classification: Likely benign for Autosomal recessive spinocerebellar ataxia 13; Spinocerebellar ataxia 44. Last evaluated: 2022-01-10. Review status: criteria provided, single submitter. Criteria: ACMG Guidelines, 2015. Collection method: clinical testing. Allele origin: unknown.

Literature cited by the submitters: PubMed 19146831 (cited by Athena Diagnostics).

NM_001278064.2(GRM1):c.3161G>A (p.Gly1054Asp)

Gene: GRM1 (glutamate metabotropic receptor 1; plus strand). Cytogenetic location: 6q24.3.
Variant type: single nucleotide variant.
Coding change: c.3161G>A on transcript NM_001278064.2 (MANE Select); coding-DNA position 3161, G replaced by A.
Protein change: p.Gly1054Asp; replaces glycine 1054 with aspartic acid.
Molecular consequence: missense variant. On other transcripts: 3 prime UTR variant (3).
Genome position (GRCh38, 1-based): chr6:146,434,372, G>A. VCF-style: chr6-146434372-G-A. GRCh37 (hg19) VCF-style: chr6-146755508-G-A.
Other names: p.Gly1054Asp; c.*525G>A (NM_001278065.2); c.*490G>A (NM_001278066.1); c.*399G>A (NM_001278067.1); short protein forms G1054D.
Identifiers: ClinVar variation 447463 (VCV000447463.23), dbSNP rs145764886, ClinGen allele CA4037623.